The following is an entry in ClinVar:

ClinVar aggregate classification (germline): Conflicting classifications of pathogenicity. Review status: criteria provided, conflicting classifications (1 of 4 stars). 2 submissions from 2 submitters: Likely pathogenic (1); Uncertain significance (1). Last evaluated 2023-11-15.

Conditions:
Inborn genetic diseases. Identifiers: MedGen C0950123, MeSH D030342.

Submissions (2):

GeneDx
Classification: Uncertain significance. Last evaluated: 2023-11-15. Review status: criteria provided, single submitter. Criteria: GeneDx Variant Classification Process June 2021. Collection method: clinical testing. Allele origin: germline. Affected: yes.
Comment: Not observed at significant frequency in large population cohorts (gnomAD); Missense variants in this gene are a common cause of disease and they are underrepresented in the general population; In silico analysis supports that this missense variant has a deleterious effect on protein structure/function; Has not been previously published as pathogenic or benign to our knowledge

Ambry Genetics
Classification: Likely pathogenic for Inborn genetic diseases. Last evaluated: 2023-02-02. Review status: criteria provided, single submitter. Criteria: Ambry Variant Classification Scheme 2023. Collection method: clinical testing. Allele origin: germline.
Comment: The c.128G>T (p.G43V) alteration is located in exon 2 (coding exon 2) of the TUBA1A gene. This alteration results from a G to T substitution at nucleotide position 128, causing the glycine (G) at amino acid position 43 to be replaced by a valine (V). This variant was not reported in population-based cohorts in the Genome Aggregation Database (gnomAD). This amino acid position is highly conserved in available vertebrate species. This missense alteration is located in a region that has a low rate of benign missense variation (Lek, 2016; Firth, 2009). The p.G43 amino acid is located in the H1-S2 loop of TUBA1A, which facilitates lateral interactions with the M loop of neighboring alpha-tubulin monomers in a microtubule. Based on internal structural analysis, p.G43V is moderately destabilizing to TUBA1A (Schatz, 1987; Selvaa Kumar, 2015; Yokoi, 2015; M&uuml;hlethaler, 2022). The in silico prediction for this alteration is inconclusive. Based on the available evidence, this alteration is classified as likely pathogenic.

Literature cited by the submitters: PubMed 3316988 (cited by Ambry Genetics); PubMed 25956360 (cited by Ambry Genetics); PubMed 26493046 (cited by Ambry Genetics); PubMed 35404502 (cited by Ambry Genetics).

NM_006009.4(TUBA1A):c.128G>T (p.Gly43Val)

Gene: TUBA1A (tubulin alpha 1a; minus strand). Cytogenetic location: 12q13.12.
Variant type: single nucleotide variant.
Coding change: c.128G>T on transcript NM_006009.4 (MANE Select); coding-DNA position 128, G replaced by T.
Protein change: p.Gly43Val; replaces glycine 43 with valine.
Molecular consequence: missense variant.
Genome position (GRCh38, 1-based): chr12:49,186,709, C>A on the plus strand (G>T on the coding strand, the complement: TUBA1A is on the minus strand). VCF-style: chr12-49186709-C-A. GRCh37 (hg19) VCF-style: chr12-49580492-C-A.
Other names: c.128G>T, p.Gly43Val (NM_001270399.2); c.23G>T, p.Gly8Val (NM_001270400.2); short protein forms G43V, G8V.
Identifiers: ClinVar variation 2473848 (VCV002473848.3), dbSNP rs2498863473, ClinGen allele CA384645281.